The following is an entry in ClinVar:

ClinVar aggregate classification (germline): Uncertain significance (1 of 4 stars; one submission).

Conditions:
Orofacial cleft 11 (OFC11). Also called: CLEFT LIP WITH OR WITHOUT CLEFT PALATE, NONSYNDROMIC, 11; Orofacial cleft 11; ofc11. Identifiers: MedGen C2677434, MONDO:0010906, OMIM 600625.
Microphthalmia with brain and digit anomalies (MCOPS6). Also called: MICROPHTHALMIA AND PITUITARY ANOMALIES; Microphthalmia, syndromic 6. Identifiers: Orphanet 139471, MedGen C1864689, MONDO:0011936, OMIM 607932.

Allele frequency attached by ClinVar (database versions not stated): gnomAD exomes below 0.00001; ExAC 0.00001.

Submission:

Labcorp Genetics (formerly Invitae), Labcorp
Classification: Uncertain significance for Microphthalmia with brain and digit anomalies; Orofacial cleft 11. Last evaluated: 2023-02-10. Review status: criteria provided, single submitter. Criteria: Invitae Variant Classification Sherloc (09022015). Collection method: clinical testing. Allele origin: germline.
Comment: In summary, the available evidence is currently insufficient to determine the role of this variant in disease. Therefore, it has been classified as a Variant of Uncertain Significance. Advanced modeling of protein sequence and biophysical properties (such as structural, functional, and spatial information, amino acid conservation, physicochemical variation, residue mobility, and thermodynamic stability) performed at Invitae indicates that this missense variant is not expected to disrupt BMP4 protein function. This variant has not been reported in the literature in individuals affected with BMP4-related conditions. This variant is present in population databases (rs760592277, gnomAD 0.006%). This sequence change replaces proline, which is neutral and non-polar, with serine, which is neutral and polar, at codon 148 of the BMP4 protein (p.Pro148Ser).

NM_001202.6(BMP4):c.442C>T (p.Pro148Ser)

Gene: BMP4 (bone morphogenetic protein 4; minus strand). Cytogenetic location: 14q22.2.
Variant type: single nucleotide variant.
Coding change: c.442C>T on transcript NM_001202.6 (MANE Select); coding-DNA position 442, C replaced by T.
Protein change: p.Pro148Ser; replaces proline 148 with serine.
Molecular consequence: missense variant.
Genome position (GRCh38, 1-based): chr14:53,950,817, G>A on the plus strand (C>T on the coding strand, the complement: BMP4 is on the minus strand). VCF-style: chr14-53950817-G-A. GRCh37 (hg19) VCF-style: chr14-54417535-G-A.
Other names: c.583C>T, p.Pro195Ser (NM_001347912.1); c.253C>T, p.Pro85Ser (NM_001347913.2, NM_001347915.2, NM_001347917.1); c.442C>T, p.Pro148Ser (NM_001347914.2, NM_001347916.1, NM_130850.5 and 1 more transcripts); short protein forms P148S, P85S, P195S.
Identifiers: ClinVar variation 1991666 (VCV001991666.4), dbSNP rs760592277, ClinGen allele CA7191735.